The following is an entry in ClinVar:

NM_000492.4(CFTR):c.2658-12T>G

Gene: CFTR (CF transmembrane conductance regulator; plus strand). Cytogenetic location: 7q31.2.
Variant type: single nucleotide variant.
Coding change: c.2658-12T>G on transcript NM_000492.4 (MANE Select); 12 bases into the intron before coding-DNA position 2658, T replaced by G.
Molecular consequence: intron variant.
Genome position (GRCh38, 1-based): chr7:117,603,520, T>G. VCF-style: chr7-117603520-T-G. GRCh37 (hg19) VCF-style: chr7-117243574-T-G.
Identifiers: ClinVar variation 2131647 (VCV002131647.3), dbSNP rs747085503, ClinGen allele CA2580076323.

ClinVar aggregate classification (germline): Uncertain significance (1 of 4 stars; one submission).

Conditions:
Cystic fibrosis (CF). Also called: MUCOVISCIDOSIS. Identifiers: Orphanet 586, MedGen C0010674, MONDO:0009061, OMIM 219700. Disease mechanism: loss of function.

Submission:

Labcorp Genetics (formerly Invitae), Labcorp
Classification: Uncertain significance for Cystic fibrosis. Last evaluated: 2022-04-29. Review status: criteria provided, single submitter. Criteria: Invitae Variant Classification Sherloc (09022015). Collection method: clinical testing. Allele origin: germline.
Comment: This variant has not been reported in the literature in individuals affected with CFTR-related conditions. This variant is not present in population databases (gnomAD no frequency). This sequence change falls in intron 16 of the CFTR gene. It does not directly change the encoded amino acid sequence of the CFTR protein. In summary, the available evidence is currently insufficient to determine the role of this variant in disease. Therefore, it has been classified as a Variant of Uncertain Significance. Algorithms developed to predict the effect of sequence changes on RNA splicing suggest that this variant may disrupt the consensus splice site.